The following is an entry in ClinVar:

ClinVar aggregate classification (germline): Uncertain significance (1 of 4 stars; one submission).

Allele frequency attached by ClinVar (database versions not stated): TOPMed 0.00002.
gnomAD v4.1: 27 of 1,480,524 alleles (0.0018%); highest among the groups gnomAD compares: Non-Finnish European, 0.0024%; no homozygotes.

Submission:

Labcorp Genetics (formerly Invitae), Labcorp
Classification: Uncertain significance. Last evaluated: 2019-05-10. Review status: criteria provided, single submitter. Criteria: Invitae Variant Classification Sherloc (09022015). Collection method: clinical testing. Allele origin: germline.
Comment: In summary, the available evidence is currently insufficient to determine the role of this variant in disease. Therefore, it has been classified as a Variant of Uncertain Significance. Algorithms developed to predict the effect of missense changes on protein structure and function are either unavailable or do not agree on the potential impact of this missense change (SIFT: "Tolerated"; PolyPhen-2: "Possibly Damaging"; Align-GVGD: "Class C0"). This variant has not been reported in the literature in individuals with CPOX-related conditions. The frequency data for this variant in the population databases is considered unreliable, as metrics indicate insufficient coverage at this position in the ExAC database. This sequence change replaces alanine with threonine at codon 26 of the CPOX protein (p.Ala26Thr). The alanine residue is weakly conserved and there is a small physicochemical difference between alanine and threonine.

NM_000097.7(CPOX):c.76G>A (p.Ala26Thr)

Genes: CPOX (coproporphyrinogen oxidase; minus strand), LOC129937121 (ATAC-STARR-seq lymphoblastoid silent region 14560; plus strand). Cytogenetic location: 3q11.2.
Variant type: single nucleotide variant.
Coding change: c.76G>A on transcript NM_000097.7 (MANE Select); coding-DNA position 76, G replaced by A.
Protein change: p.Ala26Thr; replaces alanine 26 with threonine.
Molecular consequence: missense variant.
Genome position (GRCh38, 1-based): chr3:98,593,429, C>T on the plus strand (G>A on the coding strand, the complement: CPOX is on the minus strand). VCF-style: chr3-98593429-C-T. GRCh37 (hg19) VCF-style: chr3-98312273-C-T.
Other names: short protein forms A26T.
Identifiers: ClinVar variation 853839 (VCV000853839.7), dbSNP rs900391289, ClinGen allele CA80083875.